The following is an entry in ClinVar:

NM_001267550.2(TTN):c.104030_104031del (p.Glu34677fs)

Genes: TTN-AS1 (TTN antisense RNA 1; plus strand), TTN (titin; minus strand). Cytogenetic location: 2q31.2.
Variant type: Microsatellite.
Coding change: c.104030_104031del on transcript NM_001267550.2 (MANE Select); coding-DNA positions 104030 to 104031, 2 bases deleted (AG; older notation c.104030_104031delAG).
Protein change: p.Glu34677fs; shifts the reading frame from glutamic acid 34677.
Molecular consequence: frameshift variant.
Genome position (GRCh38, 1-based): chr2:178,532,584-178,532,585, CT deleted on the plus strand (AG on the coding strand, the reverse complement: TTN is on the minus strand); deleting any 2 consecutive bases within chr2:178,532,584-178,532,587 gives the same sequence; the c. name uses the placement nearest the transcript's 3' end. VCF-style (leftmost placement, unchanged base first): chr2-178532583-CCT-C. GRCh37 (hg19) VCF-style: chr2-179397310-CCT-C.
Other names: c.77210_77211del, p.Glu25737fs (NM_133432.3); c.77411_77412del, p.Glu25804fs (NM_133437.4); c.99107_99108del, p.Glu33036fs (NM_001256850.1); c.76835_76836del, p.Glu25612fs (NM_003319.4); c.96326_96327del, p.Glu32109fs (NM_133378.4); short protein forms E25612fs, E25737fs, E25804fs, E32109fs, E33036fs, E34677fs.
Identifiers: ClinVar variation 3342140 (VCV003342140.18).

ClinVar aggregate classification (germline): Likely pathogenic. Review status: criteria provided, multiple submitters, no conflicts (2 of 4 stars). 2 submissions from 2 submitters: Likely pathogenic (2). Last evaluated 2024-08-01.

Conditions:
Autosomal recessive limb-girdle muscular dystrophy type 2J (LGMDR10). Also called: Limb-girdle muscular dystrophy, type 2J; MUSCULAR DYSTROPHY, LIMB-GIRDLE, AUTOSOMAL RECESSIVE 10. Identifiers: Orphanet 140922, MedGen C1837342, MONDO:0012127, OMIM 608807.
Dilated cardiomyopathy 1G (CMD1G). Identifiers: Orphanet 154, MedGen C1858763, MONDO:0011400, OMIM 604145.

Submissions (2):

CeGaT Center for Human Genetics Tuebingen
Classification: Likely pathogenic. Last evaluated: 2024-08-01. Review status: criteria provided, single submitter. Criteria: CeGaT Center For Human Genetics Tuebingen Variant Classification Criteria Version 2. Collection method: clinical testing. Allele origin: germline. Affected: yes. Observed: 1 variant allele.
Comment: TTN: PVS1:Strong, PM2

Labcorp Genetics (formerly Invitae), Labcorp
Classification: Likely pathogenic for Dilated cardiomyopathy 1G; Autosomal recessive limb-girdle muscular dystrophy type 2J. Last evaluated: 2024-07-11. Review status: criteria provided, single submitter. Criteria: Invitae Variant Classification Sherloc (09022015). Collection method: clinical testing. Allele origin: germline.
Comment: This sequence change creates a premature translational stop signal (p.Glu34677Glyfs*7) in the TTN gene. While this is not anticipated to result in nonsense mediated decay, it is expected to create a truncated TTN protein. This variant is not present in population databases (gnomAD no frequency). This variant has not been reported in the literature in individuals affected with TTN-related conditions. This variant is located in the M band of TTN (PMID: 25589632). Truncating variants in this region have been previously reported in individuals affected with autosomal recessive myopathy and muscular dystrophy (PMID: 18948003, 23975875, 24395473). Truncating variants in this region have also been identified in individuals affected with autosomal dominant dilated cardiomyopathy and/or cardio-related conditions (PMID: 27869827, 32964742, Invitae internal data). In summary, the currently available evidence indicates that the variant is pathogenic, but additional data are needed to prove that conclusively. Therefore, this variant has been classified as Likely Pathogenic.

Literature cited by the submitters: PubMed 25589632 (cited by Labcorp Genetics (formerly Invitae), Labcorp); PubMed 18948003 (cited by Labcorp Genetics (formerly Invitae), Labcorp); PubMed 23975875 (cited by Labcorp Genetics (formerly Invitae), Labcorp); PubMed 24395473 (cited by Labcorp Genetics (formerly Invitae), Labcorp); PubMed 27869827 (cited by Labcorp Genetics (formerly Invitae), Labcorp); PubMed 32964742 (cited by Labcorp Genetics (formerly Invitae), Labcorp).